The following is an entry in ClinVar:

NM_198253.3(TERT):c.3291G>T (p.Arg1097Ser)

Gene: TERT (telomerase reverse transcriptase; minus strand). Cytogenetic location: 5p15.33.
Variant type: single nucleotide variant.
Coding change: c.3291G>T on transcript NM_198253.3 (MANE Select); coding-DNA position 3291, G replaced by T.
Protein change: p.Arg1097Ser; replaces arginine 1097 with serine.
Molecular consequence: missense variant. On other transcripts: non-coding transcript variant (2).
Genome position (GRCh38, 1-based): chr5:1,254,372, C>A on the plus strand (G>T on the coding strand, the complement: TERT is on the minus strand). VCF-style: chr5-1254372-C-A. GRCh37 (hg19) VCF-style: chr5-1254487-C-A.
Other names: c.3102G>T, p.Arg1034Ser (NM_001193376.3); short protein forms R1034S, R1097S.
Identifiers: ClinVar variation 4561544 (VCV004561544.1).

ClinVar aggregate classification (germline): Uncertain significance (1 of 4 stars; one submission).

Conditions:
Dyskeratosis congenita. Identifiers: Orphanet 1775, MedGen C0265965, MONDO:0015780.

gnomAD v4.1: 1 of 1,613,168 alleles (0.000062%); highest among the groups gnomAD compares: Non-Finnish European, 0.000085%; no homozygotes.

Submission:

Ambry Genetics
Classification: Uncertain significance for Dyskeratosis congenita. Last evaluated: 2025-09-28. Review status: criteria provided, single submitter. Criteria: Ambry Variant Classification Scheme 2023. Collection method: clinical testing. Allele origin: germline.
Comment: The p.R1097S variant (also known as c.3291G>T), located in coding exon 15 of the TERT gene, results from a G to T substitution at nucleotide position 3291. The arginine at codon 1097 is replaced by serine, an amino acid with dissimilar properties. This amino acid position is conserved. In addition, the in silico prediction for this alteration is inconclusive. Based on the available evidence, the clinical significance of this variant remains unclear.